The following is an entry in ClinVar:

ClinVar aggregate classification (germline): Conflicting classifications of pathogenicity. Review status: criteria provided, conflicting classifications (1 of 4 stars). 5 submissions from 5 submitters: Uncertain significance (4); Likely benign (1). Last evaluated 2025-12-16.

Conditions:
Hereditary cancer-predisposing syndrome. Also called: Neoplastic Syndromes, Hereditary; Hereditary Cancer Syndrome; Hereditary neoplastic syndrome; Tumor predisposition. Identifiers: Orphanet 140162, MedGen C0027672, MeSH D009386, MONDO:0015356.
Hereditary breast ovarian cancer syndrome. Also called: Hereditary breast and ovarian cancer syndrome; Hereditary breast and/or ovarian cancer syndrome; BRCA1- and BRCA2-Associated Hereditary Breast and Ovarian Cancer; Hereditary breast and ovarian cancer; Breast and ovarian cancer; Hereditary breast and ovarian cancer syndrome (HBOC). Identifiers: Orphanet 145, MedGen C0677776, MeSH D061325, MONDO:0003582. Disease mechanism: loss of function.
Breast-ovarian cancer, familial, susceptibility to, 2 (BROVCA2). Also called: BRCA2 Hereditary Breast and Ovarian Cancer. Identifiers: Orphanet 145, MedGen C2675520, MONDO:0012933, OMIM 612555. Disease mechanism: loss of function.

Allele frequency attached by ClinVar (database versions not stated): TOPMed below 0.00001.

Submissions (5):

Labcorp Genetics (formerly Invitae), Labcorp
Classification: Uncertain significance for Hereditary breast ovarian cancer syndrome. Last evaluated: 2025-12-16. Review status: criteria provided, single submitter. Criteria: Invitae Variant Classification Sherloc (09022015). Collection method: clinical testing. Allele origin: germline.
Comment: This sequence change replaces alanine, which is neutral and non-polar, with threonine, which is neutral and polar, at codon 2249 of the BRCA2 protein (p.Ala2249Thr). This variant is not present in population databases (gnomAD no frequency). This variant has not been reported in the literature in individuals affected with BRCA2-related conditions. ClinVar contains an entry for this variant (Variation ID: 141013). Invitae Evidence Modeling of protein sequence and biophysical properties (such as structural, functional, and spatial information, amino acid conservation, physicochemical variation, residue mobility, and thermodynamic stability) indicates that this missense variant is not expected to disrupt BRCA2 protein function with a negative predictive value of 95%. In summary, the available evidence is currently insufficient to determine the role of this variant in disease. Therefore, it has been classified as a Variant of Uncertain Significance.

Color Diagnostics, LLC DBA Color Health
Classification: Uncertain significance for Hereditary cancer-predisposing syndrome. Last evaluated: 2024-03-04. Review status: criteria provided, single submitter. Criteria: ACMG Guidelines, 2015. Collection method: clinical testing. Allele origin: germline.
Comment: This missense variant replaces alanine with threonine at codon 2249 of the BRCA2 protein. Computational prediction suggests that this variant may not impact protein structure and function. To our knowledge, functional studies have not been reported for this variant. This variant has not been reported in individuals affected with BRCA2-related disorders in the literature. This variant has not been identified in the general population by the Genome Aggregation Database (gnomAD). The available evidence is insufficient to determine the role of this variant in disease conclusively. Therefore, this variant is classified as a Variant of Uncertain Significance.

All of Us Research Program, National Institutes of Health
Classification: Uncertain significance for Breast-ovarian cancer, familial, susceptibility to, 2. Last evaluated: 2023-10-30. Review status: criteria provided, single submitter. Criteria: ACMG Guidelines, 2015. Collection method: clinical testing. Allele origin: germline. Inheritance: Autosomal dominant inheritance. Observed: 1 variant allele, 1 heterozygote.
Comment: This study involves interpretation of variants in research participants for the purpose of population health screening. Participant phenotype was not available at the time of variant classification. Additional details can be found in publication PMID: 35346344, PMCID: PMC8962531

University of Washington Department of Laboratory Medicine, University of Washington
Classification: Likely benign for Hereditary cancer-predisposing syndrome. Last evaluated: 2023-03-23. Review status: criteria provided, single submitter. Criteria: Dines et al. (Genet Med. 2020). Collection method: curation. Allele origin: germline.
Comment: Missense variant in a coldspot region where missense variants are very unlikely to be pathogenic (PMID:31911673).

BRCA2 exon 11 coldspot. Reclassification based on statistical prior probability.

Ambry Genetics
Classification: Uncertain significance for Hereditary cancer-predisposing syndrome. Last evaluated: 2019-01-09. Review status: criteria provided, single submitter. Criteria: Ambry Variant Classification Scheme 2023. Collection method: clinical testing. Allele origin: germline.
Comment: The p.A2249T variant (also known as c.6745G>A) is located in coding exon 10 of the BRCA2 gene. This alteration results from a G to A substitution at nucleotide position 6745. The alanine at codon 2249 is replaced by threonine, an amino acid with similar properties. Based on protein sequence alignment, this amino acid position is not well conserved in available vertebrate species. In addition, this alteration is predicted to be tolerated by in silico analysis. Since supporting evidence is limited at this time, the clinical significance of this alteration remains unclear.

NM_000059.4(BRCA2):c.6745G>A (p.Ala2249Thr)

Gene: BRCA2 (BRCA2 DNA repair associated; plus strand). Cytogenetic location: 13q13.1.
Variant type: single nucleotide variant.
Coding change: c.6745G>A on transcript NM_000059.4 (MANE Select); coding-DNA position 6745, G replaced by A.
Protein change: p.Ala2249Thr; replaces alanine 2249 with threonine.
Molecular consequence: missense variant.
Genome position (GRCh38, 1-based): chr13:32,341,100, G>A. VCF-style: chr13-32341100-G-A. GRCh37 (hg19) VCF-style: chr13-32915237-G-A.
Other names: short protein forms A2249T.
Identifiers: ClinVar variation 141013 (VCV000141013.20), dbSNP rs587781435, ClinGen allele CA024369.